The following is an entry in ClinVar:

NM_020791.4(TAOK1):c.1522G>T (p.Ala508Ser)

Gene: TAOK1 (TAO kinase 1; plus strand). Cytogenetic location: 17q11.2.
Variant type: single nucleotide variant.
Coding change: c.1522G>T on transcript NM_020791.4 (MANE Select); coding-DNA position 1522, G replaced by T.
Protein change: p.Ala508Ser; replaces alanine 508 with serine.
Molecular consequence: missense variant.
Genome position (GRCh38, 1-based): chr17:29,508,079, G>T. VCF-style: chr17-29508079-G-T. GRCh37 (hg19) VCF-style: chr17-27835097-G-T.
Other names: c.1522G>T, p.Ala508Ser (NM_025142.1); short protein forms A508S.
Identifiers: ClinVar variation 3383817 (VCV003383817.1).

ClinVar aggregate classification (germline): Uncertain significance (1 of 4 stars; one submission).

gnomAD v4.1: 1 of 1,614,126 alleles (0.000062%); highest among the groups gnomAD compares: Non-Finnish European, 0.000085%; no homozygotes.

Submission:

GeneDx
Classification: Uncertain significance. Last evaluated: 2024-05-29. Review status: criteria provided, single submitter. Criteria: GeneDx Variant Classification Process June 2021. Collection method: clinical testing. Allele origin: germline. Affected: yes.
Comment: Not observed at significant frequency in large population cohorts (gnomAD); In silico analysis indicates that this missense variant does not alter protein structure/function; Has not been previously published as pathogenic or benign to our knowledge